The following is an entry in ClinVar:

NM_005055.5(RAPSN):c.474C>T (p.Asp158=)

Gene: RAPSN (receptor associated protein of the synapse; minus strand). Cytogenetic location: 11p11.2.
Variant type: single nucleotide variant.
Coding change: c.474C>T on transcript NM_005055.5 (MANE Select); coding-DNA position 474, C replaced by T.
Protein change: p.Asp158=; no amino-acid change (aspartic acid 158 retained).
Molecular consequence: synonymous variant.
Genome position (GRCh38, 1-based): chr11:47,447,869, G>A on the plus strand (C>T on the coding strand, the complement: RAPSN is on the minus strand). VCF-style: chr11-47447869-G-A. GRCh37 (hg19) VCF-style: chr11-47469421-G-A.
Other names: p.Asp158=; c.474C>T, p.Asp158= (NM_032645.5).
Identifiers: ClinVar variation 259628 (VCV000259628.37), dbSNP rs56245238, ClinGen allele CA5976738.

ClinVar aggregate classification (germline): Conflicting classifications of pathogenicity. Review status: criteria provided, conflicting classifications (1 of 4 stars). 11 submissions from 10 submitters: Uncertain significance (3); Benign (1); Likely benign (6). 1 of the submissions does not count toward it. Last evaluated 2026-01-31.

Conditions:
Congenital myasthenic syndrome 11. Also called: Myasthenic syndrome, congenital, 11, associated with acetylcholine receptor deficiency; MYASTHENIC SYNDROME, CONGENITAL, Ie. Identifiers: Orphanet 590, MedGen C4225367, MONDO:0014588, OMIM 616326.
Fetal akinesia deformation sequence 1 (FADS1). Also called: Fetal akinesia sequence; Pena-Shokeir syndrome type I. Identifiers: Orphanet 994, MedGen C1276035, MONDO:0100101, OMIM 208150, HP:0001989.
Congenital myasthenic syndrome (CMS). Also called: Congenital Myasthenic Syndromes. Identifiers: Orphanet 590, MedGen C0751882, MeSH D020294, MONDO:0018940.

Allele frequency attached by ClinVar (database versions not stated): 1000 Genomes Project 30x 0.00031; 1000 Genomes Project 0.00040; gnomAD exomes 0.00108 and 0.00123; gnomAD 0.00110 and 0.00114; TOPMed 0.00111; ExAC 0.00129; ESP Exome Variant Server 0.00162.
gnomAD v4.1: 1,975 of 1,613,500 alleles (0.12%); highest among the groups gnomAD compares: Non-Finnish European, 0.14%; 1 homozygote.

Submissions (11):

Labcorp Genetics (formerly Invitae), Labcorp
Classification: Likely benign for Congenital myasthenic syndrome 11; Fetal akinesia deformation sequence 1. Last evaluated: 2026-01-31. Review status: criteria provided, single submitter. Criteria: Invitae Variant Classification Sherloc (09022015). Collection method: clinical testing. Allele origin: germline.

CeGaT Center for Human Genetics Tuebingen
Classification: Likely benign. Last evaluated: 2025-03-01. Review status: criteria provided, single submitter. Criteria: CeGaT Center For Human Genetics Tuebingen Variant Classification Criteria Version 2. Collection method: clinical testing. Allele origin: germline. Affected: yes. Observed: 1 variant allele.
Comment: RAPSN: BP4, BP7

Mayo Clinic Laboratories, Mayo Clinic
Classification: Likely benign. Last evaluated: 2025-02-27. Review status: criteria provided, single submitter. Criteria: ACMG Guidelines, 2015. Collection method: clinical testing. Allele origin: germline. Observed: 3 variant alleles.
Comment: BP4, BP7

Blueprint Genetics
Classification: Likely benign. Last evaluated: 2024-11-06. Review status: criteria provided, single submitter. Criteria: ACMG Guidelines, 2015. Collection method: clinical testing. Allele origin: germline.

Athena Diagnostics
Classification: Benign. Last evaluated: 2021-03-30. Review status: criteria provided, single submitter. Criteria: Athena Diagnostics criteria. Collection method: clinical testing. Allele origin: unknown.

GeneDx
Classification: Likely benign. Last evaluated: 2018-07-13. Review status: criteria provided, single submitter. Criteria: GeneDx Variant Classification Process June 2021. Collection method: clinical testing. Allele origin: germline. Affected: yes.
Comment: This variant is associated with the following publications: (PMID: 21305573)

Illumina Laboratory Services, Illumina
Classification: Uncertain significance for Fetal akinesia deformation sequence 1. Last evaluated: 2018-01-13. Review status: criteria provided, single submitter. Criteria: ICSL Variant Classification Criteria 13 December 2019. Collection method: clinical testing. Allele origin: germline.

Illumina Laboratory Services, Illumina
Classification: Uncertain significance for Congenital myasthenic syndrome 11. Last evaluated: 2018-01-13. Review status: criteria provided, single submitter. Criteria: ICSL Variant Classification Criteria 13 December 2019. Collection method: clinical testing. Allele origin: germline.

Eurofins Ntd Llc (ga)
Classification: Uncertain significance. Last evaluated: 2016-11-14. Review status: criteria provided, single submitter. Criteria: EGL Classification Definitions 2015. Collection method: clinical testing. Allele origin: germline. Observed: 1 variant allele, 1 heterozygote.

PreventionGenetics, part of Exact Sciences
Classification: Likely benign. Review status: criteria provided, single submitter. Criteria: ACMG Guidelines, 2015. Collection method: clinical testing. Allele origin: germline.

Natera, Inc.
Classification: Likely benign for Congenital myasthenic syndrome. Last evaluated: 2020-09-16. Review status: no assertion criteria provided. Collection method: clinical testing. Allele origin: germline. Not counted in ClinVar's aggregate classification.